The following is an entry in ClinVar:

NM_001378454.1(ALMS1):c.2700A>G (p.Ile900Met)

Gene: ALMS1 (ALMS1 centrosome and basal body associated protein; plus strand). Cytogenetic location: 2p13.1.
Variant type: single nucleotide variant.
Coding change: c.2700A>G on transcript NM_001378454.1 (MANE Select); coding-DNA position 2700, A replaced by G.
Protein change: p.Ile900Met; replaces isoleucine 900 with methionine.
Molecular consequence: missense variant.
Genome position (GRCh38, 1-based): chr2:73,449,227, A>G. VCF-style: chr2-73449227-A-G. GRCh37 (hg19) VCF-style: chr2-73676354-A-G.
Other names: c.2703A>G, p.Ile901Met (NM_015120.4); short protein forms I901M, I900M.
Identifiers: ClinVar variation 2148680 (VCV002148680.1), dbSNP rs771737820, ClinGen allele CA347271363.

ClinVar aggregate classification (germline): Uncertain significance (1 of 4 stars; one submission).

Conditions:
Alstrom syndrome (ALMS). Identifiers: Orphanet 64, MedGen C0268425, MONDO:0008763, OMIM 203800.

Submission:

Labcorp Genetics (formerly Invitae), Labcorp
Classification: Uncertain significance for Alstrom syndrome. Last evaluated: 2022-03-28. Review status: criteria provided, single submitter. Criteria: Invitae Variant Classification Sherloc (09022015). Collection method: clinical testing. Allele origin: germline.
Comment: This sequence change replaces isoleucine, which is neutral and non-polar, with methionine, which is neutral and non-polar, at codon 901 of the ALMS1 protein (p.Ile901Met). This variant is not present in population databases (gnomAD no frequency). This variant has not been reported in the literature in individuals affected with ALMS1-related conditions. Experimental studies and prediction algorithms are not available or were not evaluated, and the functional significance of this variant is currently unknown. In summary, the available evidence is currently insufficient to determine the role of this variant in disease. Therefore, it has been classified as a Variant of Uncertain Significance.